The following is an entry in ClinVar:

NM_003611.3(OFD1):c.882T>A (p.Asp294Glu)

Gene: OFD1 (OFD1 centriole and centriolar satellite protein; plus strand). Cytogenetic location: Xp22.2.
Variant type: single nucleotide variant.
Coding change: c.882T>A on transcript NM_003611.3 (MANE Select); coding-DNA position 882, T replaced by A.
Protein change: p.Asp294Glu; replaces aspartic acid 294 with glutamic acid.
Molecular consequence: missense variant.
Genome position (GRCh38, 1-based): chrX:13,749,480, T>A. VCF-style: chrX-13749480-T-A. GRCh37 (hg19) VCF-style: chrX-13767599-T-A.
Other names: c.882T>A, p.Asp294Glu (NM_001330209.2); c.462T>A, p.Asp154Glu (NM_001330210.2); short protein forms D154E, D294E.
Identifiers: ClinVar variation 2671732 (VCV002671732.1), dbSNP rs2518857555, ClinGen allele CA412338899.
Genomic context (GRCh38, chrX:13,749,480, plus strand): 5'-TATACAGATTGAAACAAAAGAAATTTATGCTCAAAGGCAACTTTTACTAAAAGATATGGA[T>A]TTGCTAAGAGGAAGAGAAGCAGAGCTGAAGCAAAGAGTTGAAGCTTTTGAATTGTAAGTA-3'
Protein context (NP_003602.1, residues 284-304): AQRQLLLKDM[Asp294Glu]LLRGREAELK

ClinVar aggregate classification (germline): Uncertain significance (1 of 4 stars; one submission).

Conditions:
Joubert syndrome 10 (JBTS10). Identifiers: Orphanet 2754, MedGen C2749019, MONDO:0010431, OMIM 300804.

Submission:

Neuberg Centre For Genomic Medicine, NCGM
Classification: Uncertain significance for Joubert syndrome 10. Last evaluated: 2023-02-14. Review status: criteria provided, single submitter. Criteria: ACMG Guidelines, 2015. Collection method: clinical testing. Allele origin: germline. Inheritance: X-linked recessive inheritance. Affected: yes.
Comment: The missense c.882T>A(p.Asp294Glu) variant in OFD1 gene has not been reported previously as a pathogenic variant nor a benign variant, to our knowledge. The p.Asp294Glu variant is novel (not in any individuals) in both gnomAD Exomes and 1000 Genomes databases. This variant has not been reported to the ClinVar database. The amino acid change p.Asp294Glu in OFD1 is predicted as conserved by PhyloP across 100 vertebrates. The amino acid Asp at position 294 is changed to a Glu changing protein sequence and it might alter its composition and physico-chemical properties. For these reasons, this variant has been classified as a Variant of Uncertain Significance (VUS).